The following is an entry in ClinVar:

NM_004655.4(AXIN2):c.564G>T (p.Gln188His)

Gene: AXIN2 (axin 2; minus strand). Cytogenetic location: 17q24.1.
Variant type: single nucleotide variant.
Coding change: c.564G>T on transcript NM_004655.4 (MANE Select); coding-DNA position 564, G replaced by T.
Protein change: p.Gln188His; replaces glutamine 188 with histidine.
Molecular consequence: missense variant.
Genome position (GRCh38, 1-based): chr17:65,558,057, C>A on the plus strand (G>T on the coding strand, the complement: AXIN2 is on the minus strand). VCF-style: chr17-65558057-C-A. GRCh37 (hg19) VCF-style: chr17-63554175-C-A.
Other names: c.564G>T (LRG_296t1); c.564G>T, p.Gln188His (NM_001363813.1); short protein forms Q188H.
Identifiers: ClinVar variation 639427 (VCV000639427.8), dbSNP rs753137017, ClinGen allele CA400680867.

ClinVar aggregate classification (germline): Uncertain significance (1 of 4 stars; one submission).

Conditions:
Oligodontia-cancer predisposition syndrome. Also called: TOOTH AGENESIS-COLORECTAL CANCER SYNDROME. Identifiers: Orphanet 300576, MedGen C1837750, MONDO:0012075, OMIM 608615. Disease mechanism: loss of function.

Submission:

Labcorp Genetics (formerly Invitae), Labcorp
Classification: Uncertain significance for Oligodontia-cancer predisposition syndrome. Last evaluated: 2022-07-19. Review status: criteria provided, single submitter. Criteria: Invitae Variant Classification Sherloc (09022015). Collection method: clinical testing. Allele origin: germline.
Comment: This sequence change replaces glutamine, which is neutral and polar, with histidine, which is basic and polar, at codon 188 of the AXIN2 protein (p.Gln188His). This variant is not present in population databases (gnomAD no frequency). This variant has not been reported in the literature in individuals affected with AXIN2-related conditions. ClinVar contains an entry for this variant (Variation ID: 639427). Algorithms developed to predict the effect of missense changes on protein structure and function are either unavailable or do not agree on the potential impact of this missense change (SIFT: "Tolerated"; PolyPhen-2: "Probably Damaging"; Align-GVGD: "Class C0"). In summary, the available evidence is currently insufficient to determine the role of this variant in disease. Therefore, it has been classified as a Variant of Uncertain Significance.